The following is an entry in ClinVar:

NM_001145252.3(CFP):c.157G>A (p.Val53Met)

Gene: CFP (complement factor properdin; minus strand). Cytogenetic location: Xp11.23.
Variant type: single nucleotide variant.
Coding change: c.157G>A on transcript NM_001145252.3 (MANE Select); coding-DNA position 157, G replaced by A.
Protein change: p.Val53Met; replaces valine 53 with methionine.
Molecular consequence: missense variant.
Genome position (GRCh38, 1-based): chrX:47,629,594, C>T on the plus strand (G>A on the coding strand, the complement: CFP is on the minus strand). VCF-style: chrX-47629594-C-T. GRCh37 (hg19) VCF-style: chrX-47488993-C-T.
Other names: c.157G>A, p.Val53Met (NM_002621.2); short protein forms V53M.
Identifiers: ClinVar variation 728910 (VCV000728910.16), dbSNP rs8177068, ClinGen allele CA10399009.
Genomic context (GRCh38, chrX:47,629,594, plus strand): 5'-GACAGAGCCCACCACTACGTTTCTGGTAGGCAAAGGCAGTGTTGAGACAGCAGTCTTCCA[C>T]GCTGACACCACCCCCCAGGAGGCCCTTGCACTTGCCGGAGGATTCTTCATACTGGGTGAA-3'
Protein context (NP_001138724.1, residues 43-63): CKGLLGGGVS[Val53Met]EDCCLNTAFA

ClinVar aggregate classification (germline): Benign/Likely benign. Review status: criteria provided, multiple submitters, no conflicts (2 of 4 stars). 6 submissions from 6 submitters: Benign (1); Likely benign (2). 3 of the submissions do not count toward it. Last evaluated 2026-02-03.

Allele frequency attached by ClinVar (database versions not stated): ExAC 0.00177; gnomAD 0.00266 and 0.00274; TOPMed 0.00318; 1000 Genomes Project 0.00371; ESP Exome Variant Server 0.00373; 1000 Genomes Project 30x 0.00395.
gnomAD v4.1: 530 of 1,167,272 alleles (0.045%); highest among the groups gnomAD compares: African/African-American, 0.81%; no homozygotes.

Submissions (6):

Women's Health and Genetics/Laboratory Corporation of America, LabCorp
Classification: Likely benign. Last evaluated: 2026-02-03. Review status: criteria provided, single submitter. Criteria: LabCorp Variant Classification Summary - May 2015. Collection method: clinical testing. Allele origin: germline.
Comment: Variant summary: CFP c.157G>A (p.Val53Met) results in a conservative amino acid change in the encoded protein sequence. Algorithms developed to predict the effect of missense changes on protein structure and function all suggest that this variant is likely to be tolerated. The variant allele was found at a frequency of 0.00076 in 123408 control chromosomes, predominantly at a frequency of 0.0086 within the African or African-American subpopulation in the gnomAD database, including 1 homozygotes. The observed variant frequency within African or African-American control individuals in the gnomAD database exceeds the estimated maximal expected allele frequency for disease-causing variants in CFP. To our knowledge, no occurrence of c.157G>A in individuals affected with CFP-related conditions and no experimental evidence demonstrating its impact on protein function have been reported. ClinVar contains an entry for this variant (Variation ID: 728910). Based on the evidence outlined above, the variant was classified as likely benign.

Labcorp Genetics (formerly Invitae), Labcorp
Classification: Benign. Last evaluated: 2025-10-29. Review status: criteria provided, single submitter. Criteria: Invitae Variant Classification Sherloc (09022015). Collection method: clinical testing. Allele origin: germline.

Blueprint Genetics
Classification: Likely benign. Last evaluated: 2024-10-08. Review status: criteria provided, single submitter. Criteria: ACMG Guidelines, 2015. Collection method: clinical testing. Allele origin: germline.

Clinical Genetics DNA and cytogenetics Diagnostics Lab, Erasmus MC, Erasmus Medical Center
Classification: Likely benign. Review status: no assertion criteria provided. Collection method: clinical testing. Allele origin: germline. Affected: yes. Study: VKGL Data-share Consensus. Not counted in ClinVar's aggregate classification.

Genome Diagnostics Laboratory, University Medical Center Utrecht
Classification: Likely benign. Review status: no assertion criteria provided. Collection method: clinical testing. Allele origin: germline. Affected: yes. Study: VKGL Data-share Consensus. Not counted in ClinVar's aggregate classification.

Joint Genome Diagnostic Labs from Nijmegen and Maastricht, Radboudumc and MUMC+
Classification: Likely benign. Review status: no assertion criteria provided. Collection method: clinical testing. Allele origin: germline. Affected: yes. Study: VKGL Data-share Consensus. Not counted in ClinVar's aggregate classification.